The following is an entry in ClinVar:

NM_000179.3(MSH6):c.3364C>G (p.Gln1122Glu)

Gene: MSH6 (mutS homolog 6; plus strand). Cytogenetic location: 2p16.3.
Variant type: single nucleotide variant.
Coding change: c.3364C>G on transcript NM_000179.3 (MANE Select); coding-DNA position 3364, C replaced by G.
Protein change: p.Gln1122Glu; replaces glutamine 1122 with glutamic acid.
Molecular consequence: missense variant.
Genome position (GRCh38, 1-based): chr2:47,803,611, C>G. VCF-style: chr2-47803611-C-G. GRCh37 (hg19) VCF-style: chr2-48030750-C-G.
Other names: c.2974C>G, p.Gln992Glu (NM_001281492.2); c.2458C>G, p.Gln820Glu (NM_001281493.2, NM_001281494.2); short protein forms Q1122E, Q820E, Q992E.
Identifiers: ClinVar variation 410420 (VCV000410420.22), dbSNP rs1060502892, ClinGen allele CA16611045.

ClinVar aggregate classification (germline): Conflicting classifications of pathogenicity. Review status: criteria provided, conflicting classifications (1 of 4 stars). 7 submissions from 7 submitters: Uncertain significance (4); Benign (1); Likely benign (1). 1 of the submissions does not count toward it. Last evaluated 2025-03-03.

Conditions:
Lynch syndrome. Identifiers: Orphanet 144, MedGen C4552100, MONDO:0005835. Disease mechanism: loss of function.
Hereditary nonpolyposis colorectal neoplasms. Identifiers: MedGen C0009405, MeSH D003123.
Lynch syndrome 5 (LYNCH5). Also called: Hereditary non-polyposis colorectal cancer, type 5; Colorectal cancer, hereditary nonpolyposis, type 5. Identifiers: Orphanet 144, MedGen C1833477, MONDO:0013710, OMIM 614350. Disease mechanism: loss of function.
Hereditary cancer-predisposing syndrome. Also called: Tumor predisposition; Hereditary Cancer Syndrome; Hereditary neoplastic syndrome; Neoplastic Syndromes, Hereditary. Identifiers: Orphanet 140162, MedGen C0027672, MeSH D009386, MONDO:0015356.

Allele frequency attached by ClinVar (database versions not stated): gnomAD exomes below 0.00001.

Submissions (7):

Labcorp Genetics (formerly Invitae), Labcorp
Classification: Benign for Hereditary nonpolyposis colorectal neoplasms. Last evaluated: 2025-03-03. Review status: criteria provided, single submitter. Criteria: Invitae Variant Classification Sherloc (09022015). Collection method: clinical testing. Allele origin: germline.

All of Us Research Program, National Institutes of Health
Classification: Uncertain significance for Lynch syndrome. Last evaluated: 2023-07-13. Review status: criteria provided, single submitter. Criteria: ACMG Guidelines, 2015. Collection method: clinical testing. Allele origin: germline. Inheritance: Autosomal dominant inheritance. Observed: 1 variant allele, 1 heterozygote.
Comment: This missense variant replaces glutamine with glutamic acid at codon 1122 of the MSH6 protein. Computational prediction suggests that this variant may not impact protein structure and function (internally defined REVEL score threshold <= 0.5, PMID: 27666373). Splice site prediction tools suggest that this variant may not impact RNA splicing. To our knowledge, functional studies have not been performed for this variant. This variant has not been reported in individuals affected with hereditary cancer in the literature. This variant has not been identified in the general population by the Genome Aggregation Database (gnomAD). The available evidence is insufficient to determine the role of this variant in disease conclusively. Therefore, this variant is classified as a Variant of Uncertain Significance.

This study involves interpretation of variants in research participants for the purpose of population health screening. Participant phenotype was not available at the time of variant classification. Additional details can be found in publication PMID: 35346344, PMCID: PMC8962531

Myriad Genetics, Inc.
Classification: Uncertain significance for Lynch syndrome 5. Last evaluated: 2023-03-27. Review status: criteria provided, single submitter. Criteria: Myriad Autosomal Dominant, Autosomal Recessive and X-Linked Classification Criteria (2023). Collection method: clinical testing. Allele origin: unknown.
Comment: This variant is classified as a variant of uncertain significance as there is insufficient evidence to determine its impact on protein function and/or cancer risk.

Women's Health and Genetics/Laboratory Corporation of America, LabCorp
Classification: Uncertain significance. Last evaluated: 2021-12-06. Review status: criteria provided, single submitter. Criteria: LabCorp Variant Classification Summary - May 2015. Collection method: clinical testing. Allele origin: germline.

Color Diagnostics, LLC DBA Color Health
Classification: Uncertain significance for Hereditary cancer-predisposing syndrome. Last evaluated: 2021-03-19. Review status: criteria provided, single submitter. Criteria: ACMG Guidelines, 2015. Collection method: clinical testing. Allele origin: germline.
Comment: This missense variant replaces glutamine with glutamic acid at codon 1122 of the MSH6 protein. Computational prediction suggests that this variant may not impact protein structure and function (internally defined REVEL score threshold <= 0.5, PMID: 27666373). Splice site prediction tools suggest that this variant may not impact RNA splicing. To our knowledge, functional studies have not been performed for this variant. This variant has not been reported in individuals affected with hereditary cancer in the literature. This variant has not been identified in the general population by the Genome Aggregation Database (gnomAD). The available evidence is insufficient to determine the role of this variant in disease conclusively. Therefore, this variant is classified as a Variant of Uncertain Significance.

Ambry Genetics
Classification: Likely benign for Hereditary cancer-predisposing syndrome. Last evaluated: 2019-02-25. Review status: criteria provided, single submitter. Criteria: Ambry Variant Classification Scheme 2023. Collection method: clinical testing. Allele origin: germline.

Counsyl
Classification: Uncertain significance for Lynch syndrome 5. Last evaluated: 2017-11-03. Review status: no assertion criteria provided. Collection method: clinical testing. Allele origin: unknown. Not counted in ClinVar's aggregate classification.